The following is an entry in ClinVar:

NM_005502.4(ABCA1):c.2311G>C (p.Val771Leu)

Gene: ABCA1 (ATP binding cassette subfamily A member 1; minus strand). Cytogenetic location: 9q31.1.
Variant type: single nucleotide variant.
Coding change: c.2311G>C on transcript NM_005502.4 (MANE Select); coding-DNA position 2311, G replaced by C.
Protein change: p.Val771Leu; replaces valine 771 with leucine.
Molecular consequence: missense variant.
Genome position (GRCh38, 1-based): chr9:104,826,974, C>G on the plus strand (G>C on the coding strand, the complement: ABCA1 is on the minus strand). VCF-style: chr9-104826974-C-G. GRCh37 (hg19) VCF-style: chr9-107589255-C-G.
Other names: p.Val771Leu; short protein forms V771L.
Identifiers: ClinVar variation 364432 (VCV000364432.16), dbSNP rs2066718, ClinGen allele CA5168768.

ClinVar aggregate classification (germline): Conflicting classifications of pathogenicity. Review status: criteria provided, conflicting classifications (1 of 4 stars). 7 submissions from 6 submitters: Uncertain significance (1); Benign (2); Likely benign (4). Last evaluated 2026-04-09.

Conditions:
ABCA1-related disorder. Also called: ABCA1-related condition; ABCA1-related disorders. Identifiers: MedGen CN239173.
Hypoalphalipoproteinemia, primary, 1. Identifiers: Orphanet 425, MedGen C5231558, MONDO:0011393, OMIM 604091.
Tangier disease (TGD). Also called: Cholesterol thesaurismosis; HIGH DENSITY LIPOPROTEIN DEFICIENCY, TANGIER TYPE; HIGH DENSITY LIPOPROTEIN DEFICIENCY, TYPE 1. Identifiers: Orphanet 31150, MedGen C0039292, MONDO:0008783, OMIM 205400.
Cardiovascular phenotype. Identifiers: MedGen CN230736.

Allele frequency attached by ClinVar (database versions not stated): 1000 Genomes Project 30x 0.00172; 1000 Genomes Project 0.00180.
gnomAD v4.1: 571 of 1,614,050 alleles (0.035%); highest among the groups gnomAD compares: African/African-American, 0.65%; 1 homozygote.

Submissions (7):

Ambry Genetics
Classification: Benign for Cardiovascular phenotype. Last evaluated: 2026-04-09. Review status: criteria provided, single submitter. Criteria: Ambry Variant Classification Scheme 2023. Collection method: clinical testing. Allele origin: germline.

PreventionGenetics, part of Exact Sciences
Classification: Likely benign for ABCA1-related condition. Last evaluated: 2026-03-25. Review status: criteria provided, single submitter. Criteria: ACMG Guidelines, 2015. Collection method: clinical testing. Allele origin: germline.
Comment: This variant is classified as likely benign based on ACMG/AMP sequence variant interpretation guidelines (Richards et al. 2015 PMID: 25741868, with internal and published modifications).

Labcorp Genetics (formerly Invitae), Labcorp
Classification: Likely benign. Last evaluated: 2026-01-19. Review status: criteria provided, single submitter. Criteria: Invitae Variant Classification Sherloc (09022015). Collection method: clinical testing. Allele origin: germline.

Blueprint Genetics
Classification: Benign. Last evaluated: 2024-09-20. Review status: criteria provided, single submitter. Criteria: ACMG Guidelines, 2015. Collection method: clinical testing. Allele origin: germline.

Mayo Clinic Laboratories, Mayo Clinic
Classification: Uncertain significance. Last evaluated: 2024-01-10. Review status: criteria provided, single submitter. Criteria: ACMG Guidelines, 2015. Collection method: clinical testing. Allele origin: germline. Observed: 1 variant allele.
Comment: BS1

Illumina Laboratory Services, Illumina
Classification: Likely benign for Hypoalphalipoproteinemia, primary, 1. Last evaluated: 2017-04-28. Review status: criteria provided, single submitter. Criteria: ICSL Variant Classification Criteria 13 December 2019. Collection method: clinical testing. Allele origin: germline.
Comment: This variant was observed as part of a predisposition screen in an ostensibly healthy population. A literature search was performed for the gene, cDNA change, and amino acid change (where applicable). No publications were found based on this search. Allele frequency data from public databases allowed determination this variant is unlikely to cause disease. Therefore, this variant is classified as likely benign.

Illumina Laboratory Services, Illumina
Classification: Likely benign for Tangier disease. Last evaluated: 2017-04-28. Review status: criteria provided, single submitter. Criteria: ICSL Variant Classification Criteria 13 December 2019. Collection method: clinical testing. Allele origin: germline.
Comment: the same text as in the submission from Illumina Laboratory Services, Illumina above.

Literature cited by the submitters: PubMed 30333156 (cited by Mayo Clinic Laboratories, Mayo Clinic); PubMed 35743794 (cited by Mayo Clinic Laboratories, Mayo Clinic).